The following is an entry in ClinVar:

ClinVar aggregate classification (germline): Uncertain significance. Review status: reviewed by expert panel (3 of 4 stars). 3 submissions from 3 submitters: Uncertain significance (1). 2 of the submissions do not count toward it. Last evaluated 2024-06-13.

Conditions:
Histiocytic medullary reticulosis. Also called: SEVERE COMBINED IMMUNODEFICIENCY WITH HYPEREOSINOPHILIA; Omenn syndrome. Identifiers: Orphanet 39041, MedGen C2700553, MONDO:0011338, OMIM 603554.
Severe combined immunodeficiency due to DCLRE1C deficiency (RS-SCID). Also called: SCID, AUTOSOMAL RECESSIVE, T CELL-NEGATIVE, B CELL-NEGATIVE, NK CELL-POSITIVE, WITH SENSITIVITY TO IONIZING RADIATION. Identifiers: Orphanet 275, MedGen C1865371, MONDO:0011225, OMIM 602450.

Allele frequency attached by ClinVar (database versions not stated): TOPMed 0.00002.
gnomAD v4.1: 11 of 1,613,930 alleles (0.00068%); highest among the groups gnomAD compares: Middle Eastern, 0.016%; no homozygotes.

Submissions (3):

ClinGen Severe Combined Immunodeficiency Variant Curation Expert Panel, ClinGen
Classification: Uncertain significance for Severe combined immunodeficiency due to DCLRE1C deficiency. Last evaluated: 2024-06-13. Review status: reviewed by expert panel. Criteria: ClinGen SCID ACMG Specifications DCLRE1C V1.0.0. Collection method: curation. Allele origin: germline. Inheritance: Autosomal recessive inheritance.
Comment: The c.457G>T (NM_001033855.3) variant in DCLRE1C is a missense variant predicted to cause substitution of Glycine by Tryptophan at amino acid 153 (p.Gly153Trp). The filtering allele frequency (the upper threshold of the 95% CI of 8/1111862 alleles) of the c.457G>T variant in DCLRE1C is 0.000003100 for European (non-Finnish) chromosomes by gnomAD v4, which is lower than the ClinGen SCID VCEP threshold (<0.00003266) for PM2_Supporting, and therefore meets this criterion (PM2_Supporting). No homozygotes have been observed in gnomAD. To our knowledge, this variant has not been reported in the literature in individuals affected with SCID/DCLRE1C-related conditions or in functional studies. In summary, this variant meets the criteria to be classified as a variant of uncertain significance for autosomal recessive severe combined immunodeficiency due to DCLRE1C deficiency based on the ACMG/AMP criteria applied, as specified by the ClinGen SCID VCEP: PM2_Supporting (VCEP specifications version 1).

Labcorp Genetics (formerly Invitae), Labcorp
Classification: Uncertain significance for Athabaskan severe combined immunodeficiency. Last evaluated: 2022-06-12. Review status: criteria provided, single submitter. Criteria: Invitae Variant Classification Sherloc (09022015). Collection method: clinical testing. Allele origin: germline. Not counted in ClinVar's aggregate classification.
Comment: This sequence change replaces glycine, which is neutral and non-polar, with tryptophan, which is neutral and slightly polar, at codon 153 of the DCLRE1C protein (p.Gly153Trp). This variant is present in population databases (rs41297018, gnomAD 0.01%). This variant has not been reported in the literature in individuals affected with DCLRE1C-related conditions. ClinVar contains an entry for this variant (Variation ID: 879949). Algorithms developed to predict the effect of missense changes on protein structure and function (SIFT, PolyPhen-2, Align-GVGD) all suggest that this variant is likely to be disruptive. In summary, the available evidence is currently insufficient to determine the role of this variant in disease. Therefore, it has been classified as a Variant of Uncertain Significance.

Illumina Laboratory Services, Illumina
Classification: Uncertain significance for Histiocytic medullary reticulosis. Last evaluated: 2018-01-13. Review status: criteria provided, single submitter. Criteria: ICSL Variant Classification Criteria 13 December 2019. Collection method: clinical testing. Allele origin: germline. Not counted in ClinVar's aggregate classification.

NM_001033855.3(DCLRE1C):c.457G>T (p.Gly153Trp)

Gene: DCLRE1C (DNA cross-link repair 1C; minus strand). Cytogenetic location: 10p13.
Variant type: single nucleotide variant.
Coding change: c.457G>T on transcript NM_001033855.3 (MANE Select); coding-DNA position 457, G replaced by T.
Protein change: p.Gly153Trp; replaces glycine 153 with tryptophan.
Molecular consequence: missense variant. On other transcripts: non-coding transcript variant (4).
Genome position (GRCh38, 1-based): chr10:14,935,470, C>A on the plus strand (G>T on the coding strand, the complement: DCLRE1C is on the minus strand). VCF-style: chr10-14935470-C-A. GRCh37 (hg19) VCF-style: chr10-14977469-C-A.
Other names: NM_001033855.3(DCLRE1C):c.457G>T; p.Gly153Trp; c.97G>T, p.Gly33Trp (NM_001033857.3, NM_001033858.3, NM_001289077.2 and 2 more transcripts); c.112G>T, p.Gly38Trp (NM_001289076.2, NM_001289078.2, NM_001350966.2 and 1 more transcripts); c.457G>T, p.Gly153Trp (NM_001350965.2); short protein forms G153W, G33W, G38W.
Identifiers: ClinVar variation 879949 (VCV000879949.5), dbSNP rs41297018, ClinGen allele CA5416841.